The following is an entry in ClinVar:

ClinVar aggregate classification (germline): Conflicting classifications of pathogenicity. Review status: criteria provided, conflicting classifications (1 of 4 stars). 2 submissions from 2 submitters: Uncertain significance (1); Benign (1). Last evaluated 2022-07-01.

Conditions:
Ceroid lipofuscinosis, neuronal, 4 (Kufs type) (CLN4). Also called: Neuronal ceroid lipofuscinosis 4B; Ceroid lipofuscinosis, neuronal, 4, Parry type. Identifiers: Orphanet 228343, Orphanet 79262, MedGen C1834207, MONDO:0008083, OMIM 162350.

Allele frequency attached by ClinVar (database versions not stated): 1000 Genomes Project 30x 0.00031; 1000 Genomes Project 0.00040; gnomAD 0.00148 and 0.00102; TOPMed 0.00192; gnomAD exomes 0.00093.
gnomAD v4.1: 754 of 721,550 alleles (0.1%); highest among the groups gnomAD compares: Admixed American, 0.19%; 3 homozygotes.

Submissions (2):

CeGaT Center for Human Genetics Tuebingen
Classification: Benign. Last evaluated: 2022-07-01. Review status: criteria provided, single submitter. Criteria: CeGaT Center For Human Genetics Tuebingen Variant Classification Criteria Version 2. Collection method: clinical testing. Allele origin: germline. Affected: yes. Observed: 1 variant allele.
Comment: DNAJC5: BS1, BS2

Illumina Laboratory Services, Illumina
Classification: Uncertain significance for Ceroid lipofuscinosis, neuronal, 4 (Kufs type). Last evaluated: 2018-01-12. Review status: criteria provided, single submitter. Criteria: ICSL Variant Classification Criteria 13 December 2019. Collection method: clinical testing. Allele origin: germline.

NM_025219.3(DNAJC5):c.*158A>T

Gene: DNAJC5 (DnaJ heat shock protein family (Hsp40) member C5; plus strand). Cytogenetic location: 20q13.33.
Variant type: single nucleotide variant.
Coding change: c.*158A>T on transcript NM_025219.3 (MANE Select); 158 bases downstream of the stop codon, A replaced by T.
Molecular consequence: 3 prime UTR variant.
Genome position (GRCh38, 1-based): chr20:63,931,726, A>T. VCF-style: chr20-63931726-A-T. GRCh37 (hg19) VCF-style: chr20-62563079-A-T.
Identifiers: ClinVar variation 898060 (VCV000898060.28), dbSNP rs41278210, ClinGen allele CA317523466.